The following is an entry in ClinVar:

NM_030973.4(MED25):c.407G>A (p.Gly136Asp)

Gene: MED25 (mediator complex subunit 25; plus strand). Cytogenetic location: 19q13.33.
Variant type: single nucleotide variant.
Coding change: c.407G>A on transcript NM_030973.4 (MANE Select); coding-DNA position 407, G replaced by A.
Protein change: p.Gly136Asp; replaces glycine 136 with aspartic acid.
Molecular consequence: missense variant.
Genome position (GRCh38, 1-based): chr19:49,828,972, G>A. VCF-style: chr19-49828972-G-A. GRCh37 (hg19) VCF-style: chr19-50332229-G-A.
Other names: c.407G>A, p.Gly136Asp (NM_001378355.1); short protein forms G136D.
Identifiers: ClinVar variation 943256 (VCV000943256.10), dbSNP rs1391030807, ClinGen allele CA406912147.

ClinVar aggregate classification (germline): Uncertain significance. Review status: criteria provided, multiple submitters, no conflicts (2 of 4 stars). 2 submissions from 2 submitters: Uncertain significance (2). Last evaluated 2024-10-07.

Conditions:
Inborn genetic diseases. Identifiers: MedGen C0950123, MeSH D030342.
Charcot-Marie-Tooth disease type 2. Also called: Charcot-Marie-Tooth type 2. Identifiers: Orphanet 64746, MedGen C0270914, MONDO:0018993.

Allele frequency attached by ClinVar (database versions not stated): gnomAD exomes below 0.00001; gnomAD 0.00001.
gnomAD v4.1: 2 of 1,613,838 alleles (0.00012%); highest among the groups gnomAD compares: Non-Finnish European, 0.00017%; no homozygotes.

Submissions (2):

Ambry Genetics
Classification: Uncertain significance for Inborn genetic diseases. Last evaluated: 2024-10-07. Review status: criteria provided, single submitter. Criteria: Ambry Variant Classification Scheme 2023. Collection method: clinical testing. Allele origin: germline.

Labcorp Genetics (formerly Invitae), Labcorp
Classification: Uncertain significance for Charcot-Marie-Tooth disease type 2. Last evaluated: 2022-08-20. Review status: criteria provided, single submitter. Criteria: Invitae Variant Classification Sherloc (09022015). Collection method: clinical testing. Allele origin: germline.
Comment: This variant has not been reported in the literature in individuals affected with MED25-related conditions. ClinVar contains an entry for this variant (Variation ID: 943256). Algorithms developed to predict the effect of missense changes on protein structure and function are either unavailable or do not agree on the potential impact of this missense change (SIFT: "Deleterious"; PolyPhen-2: "Probably Damaging"; Align-GVGD: "Class C0"). In summary, the available evidence is currently insufficient to determine the role of this variant in disease. Therefore, it has been classified as a Variant of Uncertain Significance. This sequence change replaces glycine, which is neutral and non-polar, with aspartic acid, which is acidic and polar, at codon 136 of the MED25 protein (p.Gly136Asp). This variant is present in population databases (no rsID available, gnomAD 0.0009%).